The following is an entry in ClinVar:

NM_000760.4(CSF3R):c.1865-19G>A

Gene: CSF3R (colony stimulating factor 3 receptor; minus strand). Cytogenetic location: 1p34.3.
Variant type: single nucleotide variant.
Coding change: c.1865-19G>A on transcript NM_000760.4 (MANE Select); 19 bases into the intron before coding-DNA position 1865, G replaced by A.
Molecular consequence: intron variant.
Genome position (GRCh38, 1-based): chr1:36,467,670, C>T on the plus strand (G>A on the coding strand, the complement: CSF3R is on the minus strand). VCF-style: chr1-36467670-C-T. GRCh37 (hg19) VCF-style: chr1-36933271-C-T.
Other names: c.1865-19G>A (NM_156039.3, NM_172313.3).
Identifiers: ClinVar variation 3010449 (VCV003010449.3), dbSNP rs781034943, ClinGen allele CA769043.
Genomic context (GRCh38, chr1:36,467,670, plus strand): 5'-GGAGGCCGAACAGGCCCAGGATGATGTGTAGCTCCGACCCCTCTGCAGTGAGGGCAGGGC[C>T]GGAAGAAGTTAGAATGCATGTTGGGAAGGCTGGGTCTCCTCCCTCCGACCAGGGGATTCA-3'

ClinVar aggregate classification (germline): Uncertain significance (1 of 4 stars; one submission).

Conditions:
Autosomal recessive severe congenital neutropenia due to CSF3R deficiency. Also called: Neutropenia, severe congenital, 7, autosomal recessive. Identifiers: Orphanet 420702, MedGen C4310764, MONDO:0014865, OMIM 617014.

Allele frequency attached by ClinVar (database versions not stated): ExAC 0.00001.
gnomAD v4.1: 19 of 1,613,778 alleles (0.0012%); highest among the groups gnomAD compares: African/African-American, 0.004%; no homozygotes.

Submission:

Labcorp Genetics (formerly Invitae), Labcorp
Classification: Uncertain significance for Autosomal recessive severe congenital neutropenia due to CSF3R deficiency. Last evaluated: 2023-01-11. Review status: criteria provided, single submitter. Criteria: Invitae Variant Classification Sherloc (09022015). Collection method: clinical testing. Allele origin: germline.
Comment: In summary, the available evidence is currently insufficient to determine the role of this variant in disease. Therefore, it has been classified as a Variant of Uncertain Significance. Algorithms developed to predict the effect of sequence changes on RNA splicing suggest that this variant may disrupt the consensus splice site. This variant has been observed in individual(s) with clinical features of CSF3R-related conditions (Invitae). In at least one individual the data is consistent with being in trans (on the opposite chromosome) from a pathogenic variant. The frequency data for this variant in the population databases is considered unreliable, as metrics indicate poor data quality at this position in the gnomAD database. This sequence change falls in intron 14 of the CSF3R gene. It does not directly change the encoded amino acid sequence of the CSF3R protein.